The following is an entry in ClinVar:

NM_020297.4(ABCC9):c.3221A>G (p.Asn1074Ser)

Gene: ABCC9 (ATP binding cassette subfamily C member 9; minus strand). Cytogenetic location: 12p12.1.
Variant type: single nucleotide variant.
Coding change: c.3221A>G on transcript NM_020297.4 (MANE Select); coding-DNA position 3221, A replaced by G.
Protein change: p.Asn1074Ser; replaces asparagine 1074 with serine.
Molecular consequence: missense variant.
Genome position (GRCh38, 1-based): chr12:21,844,791, T>C on the plus strand (A>G on the coding strand, the complement: ABCC9 is on the minus strand). VCF-style: chr12-21844791-T-C. GRCh37 (hg19) VCF-style: chr12-21997725-T-C.
Other names: c.3221A>G, p.Asn1074Ser (NM_001377273.1, NM_005691.4); c.2354A>G, p.Asn785Ser (NM_001377274.1); c.3221A>G (NM_005691.2); short protein forms N1074S, N785S.
Identifiers: ClinVar variation 379777 (VCV000379777.16), dbSNP rs765629988, ClinGen allele CA6481186.
Genomic context (GRCh38, chr12:21,844,791, plus strand): 5'-TTTATGTGTGGGAGTGAGAAATAACCACTGTTTTACCTTATTGGTCCAAGGATTATCTTA[T>C]TGAGAAGGTTGTGGTGAAGATTTTTGGCAGCTGTGAGACCCATCCATTCTACAGTGAGGG-3'
Protein context (NP_064693.2, residues 1064-1084): AAKNLHHNLL[Asn1074Ser]KIILGPIRFF

ClinVar aggregate classification (germline): Uncertain significance. Review status: criteria provided, multiple submitters, no conflicts (2 of 4 stars). 7 submissions from 7 submitters: Uncertain significance (3). 4 of the submissions do not count toward it. Last evaluated 2025-06-18.

Conditions:
Dilated cardiomyopathy 1O (CMD1O). Also called: CARDIOMYOPATHY, DILATED, WITH VENTRICULAR TACHYCARDIA. Identifiers: Orphanet 154, MedGen C1837839, MONDO:0012062, OMIM 608569.
Cardiovascular phenotype. Identifiers: MedGen CN230736.

Allele frequency attached by ClinVar (database versions not stated): ExAC 0.00002; gnomAD exomes 0.00002.

Submissions (7):

Labcorp Genetics (formerly Invitae), Labcorp
Classification: Uncertain significance for Dilated cardiomyopathy 1O. Last evaluated: 2025-06-18. Review status: criteria provided, single submitter. Criteria: Invitae Variant Classification Sherloc (09022015). Collection method: clinical testing. Allele origin: germline.
Comment: This sequence change replaces asparagine, which is neutral and polar, with serine, which is neutral and polar, at codon 1074 of the ABCC9 protein (p.Asn1074Ser). This variant is present in population databases (rs765629988, gnomAD 0.004%). This missense change has been observed in individual(s) with arrhythmia (PMID: 30847666). ClinVar contains an entry for this variant (Variation ID: 379777). Invitae Evidence Modeling of protein sequence and biophysical properties (such as structural, functional, and spatial information, amino acid conservation, physicochemical variation, residue mobility, and thermodynamic stability) has been performed for this missense variant. However, the output from this modeling did not meet the statistical confidence thresholds required to predict the impact of this variant on ABCC9 protein function. In summary, the available evidence is currently insufficient to determine the role of this variant in disease. Therefore, it has been classified as a Variant of Uncertain Significance.

Ambry Genetics
Classification: Uncertain significance for Cardiovascular phenotype. Last evaluated: 2023-11-28. Review status: criteria provided, single submitter. Criteria: Ambry Variant Classification Scheme 2023. Collection method: clinical testing. Allele origin: germline.
Comment: The p.N1074S variant (also known as c.3221A>G), located in coding exon 25 of the ABCC9 gene, results from an A to G substitution at nucleotide position 3221. The asparagine at codon 1074 is replaced by serine, an amino acid with highly similar properties. This amino acid position is well conserved in available vertebrate species. In addition, this alteration is predicted to be tolerated by in silico analysis. Since supporting evidence is limited at this time, the clinical significance of this alteration remains unclear.

GeneDx
Classification: Uncertain significance. Last evaluated: 2017-04-12. Review status: criteria provided, single submitter. Criteria: GeneDx Variant Classification (06012015). Collection method: clinical testing. Allele origin: germline. Affected: yes.
Comment: The N1074S variant in the ABCC9 gene has not been reported previously as a pathogenic variant, noras a benign variant, to our knowledge. The N1074S variant was not observed in approximately 6500individuals of European and African American ancestry in the NHLBI Exome Sequencing Project,indicating it is not a common benign variant in these populations. The N1074S variant is a conservative amino acid substitution, which is not likely to impact secondary protein structure as these residues share similar properties. This substitution occurs at a position where amino acids with similar properties to Asparagine are tolerated across species. In silico analysis is inconsistent in its predictions as to whether or not the variant is damaging to the protein structure/function.

Clinical Genetics DNA and cytogenetics Diagnostics Lab, Erasmus MC, Erasmus Medical Center
Classification: Uncertain significance. Review status: no assertion criteria provided. Collection method: clinical testing. Allele origin: germline. Affected: yes. Study: VKGL Data-share Consensus. Not counted in ClinVar's aggregate classification.

Clinical Genetics, Academic Medical Center
Classification: Uncertain significance. Review status: no assertion criteria provided. Collection method: clinical testing. Allele origin: germline. Affected: yes. Study: VKGL Data-share Consensus. Not counted in ClinVar's aggregate classification.

Genome Diagnostics Laboratory, University Medical Center Utrecht
Classification: Uncertain significance. Review status: no assertion criteria provided. Collection method: clinical testing. Allele origin: germline. Affected: yes. Study: VKGL Data-share Consensus. Not counted in ClinVar's aggregate classification.

Laboratory of Diagnostic Genome Analysis, Leiden University Medical Center (LUMC)
Classification: Uncertain significance. Review status: no assertion criteria provided. Collection method: clinical testing. Allele origin: germline. Affected: yes. Study: VKGL Data-share Consensus. Not counted in ClinVar's aggregate classification.

Literature cited by the submitters: PubMed 30847666 (cited by Labcorp Genetics (formerly Invitae), Labcorp).